The following is an entry in ClinVar:

ClinVar aggregate classification (germline): Uncertain significance (1 of 4 stars; one submission).

Conditions:
Hereditary cancer-predisposing syndrome. Also called: Neoplastic Syndromes, Hereditary; Tumor predisposition; Hereditary Cancer Syndrome; Hereditary neoplastic syndrome. Identifiers: Orphanet 140162, MedGen C0027672, MeSH D009386, MONDO:0015356.

Submission:

Ambry Genetics
Classification: Uncertain significance for Hereditary cancer-predisposing syndrome. Last evaluated: 2017-09-29. Review status: criteria provided, single submitter. Criteria: Ambry Variant Classification Scheme 2023. Collection method: clinical testing. Allele origin: germline.
Comment: The p.D619N variant (also known as c.1855G>A), located in coding exon 10 of the DICER1 gene, results from a G to A substitution at nucleotide position 1855. The aspartic acid at codon 619 is replaced by asparagine, an amino acid with highly similar properties. This amino acid position is not well conserved in available vertebrate species. In addition, this alteration is predicted to be tolerated by in silico analysis. Since supporting evidence is limited at this time, the clinical significance of this alteration remains unclear.

NM_177438.3(DICER1):c.1855G>A (p.Asp619Asn)

Gene: DICER1 (dicer 1, ribonuclease III; minus strand). Cytogenetic location: 14q32.13.
Variant type: single nucleotide variant.
Coding change: c.1855G>A on transcript NM_177438.3 (MANE Select); coding-DNA position 1855, G replaced by A.
Protein change: p.Asp619Asn; replaces aspartic acid 619 with asparagine.
Molecular consequence: missense variant. On other transcripts: non-coding transcript variant (6).
Genome position (GRCh38, 1-based): chr14:95,115,719, C>T on the plus strand (G>A on the coding strand, the complement: DICER1 is on the minus strand). VCF-style: chr14-95115719-C-T. GRCh37 (hg19) VCF-style: chr14-95582056-C-T.
Other names: c.1855G>A, p.Asp619Asn (NM_001195573.1, NM_001271282.3, NM_001291628.2 and 13 more transcripts); c.1573G>A, p.Asp525Asn (NM_001395686.1); c.1450G>A, p.Asp484Asn (NM_001395687.1, NM_001395688.1, NM_001395689.1 and 3 more transcripts); c.1288G>A, p.Asp430Asn (NM_001395691.1); c.172G>A, p.Asp58Asn (NM_001395697.1); short protein forms D58N, D619N, D484N, D525N, D430N.
Identifiers: ClinVar variation 1781395 (VCV001781395.2), dbSNP rs2140113202, ClinGen allele CA390883985.